The following is an entry in ClinVar:

NM_006214.4(PHYH):c.620T>A (p.Val207Asp)

Gene: PHYH (phytanoyl-CoA 2-hydroxylase; minus strand). Cytogenetic location: 10p13.
Variant type: single nucleotide variant.
Coding change: c.620T>A on transcript NM_006214.4 (MANE Select); coding-DNA position 620, T replaced by A.
Protein change: p.Val207Asp; replaces valine 207 with aspartic acid.
Molecular consequence: missense variant. On other transcripts: intron variant (1).
Genome position (GRCh38, 1-based): chr10:13,288,418, A>T on the plus strand (T>A on the coding strand, the complement: PHYH is on the minus strand). VCF-style: chr10-13288418-A-T. GRCh37 (hg19) VCF-style: chr10-13330418-A-T.
Other names: c.320T>A, p.Val107Asp (NM_001037537.2, NM_001323080.2); c.626T>A, p.Val209Asp (NM_001323082.2); c.326T>A, p.Val109Asp (NM_001323084.2); c.415-4579T>A (NM_001323083.2); short protein forms V107D, V109D, V209D, V207D.
Identifiers: ClinVar variation 1385270 (VCV001385270.6), dbSNP rs1588510934, ClinGen allele CA376035345.

ClinVar aggregate classification (germline): Uncertain significance (1 of 4 stars; one submission).

Submission:

Labcorp Genetics (formerly Invitae), Labcorp
Classification: Uncertain significance. Last evaluated: 2024-10-22. Review status: criteria provided, single submitter. Criteria: Invitae Variant Classification Sherloc (09022015). Collection method: clinical testing. Allele origin: germline.
Comment: This sequence change replaces valine, which is neutral and non-polar, with aspartic acid, which is acidic and polar, at codon 207 of the PHYH protein (p.Val207Asp). This variant is not present in population databases (gnomAD no frequency). This variant has not been reported in the literature in individuals affected with PHYH-related conditions. ClinVar contains an entry for this variant (Variation ID: 1385270). Invitae Evidence Modeling of protein sequence and biophysical properties (such as structural, functional, and spatial information, amino acid conservation, physicochemical variation, residue mobility, and thermodynamic stability) indicates that this missense variant is expected to disrupt PHYH protein function with a positive predictive value of 80%. In summary, the available evidence is currently insufficient to determine the role of this variant in disease. Therefore, it has been classified as a Variant of Uncertain Significance.